The following is an entry in ClinVar:

NM_001287491.2(TET3):c.3429C>T (p.Thr1143=)

Gene: TET3 (tet methylcytosine dioxygenase 3; plus strand). Cytogenetic location: 2p13.1.
Variant type: single nucleotide variant.
Coding change: c.3429C>T on transcript NM_001287491.2 (MANE Select); coding-DNA position 3429, C replaced by T.
Protein change: p.Thr1143=; no amino-acid change (threonine 1143 retained).
Molecular consequence: synonymous variant.
Genome position (GRCh38, 1-based): chr2:74,099,437, C>T. VCF-style: chr2-74099437-C-T. GRCh37 (hg19) VCF-style: chr2-74326564-C-T.
Other names: c.3150C>T, p.Thr1050= (NM_001366022.1).
Identifiers: ClinVar variation 3388629 (VCV003388629.14).

ClinVar aggregate classification (germline): Likely benign (1 of 4 stars; one submission).

gnomAD v4.1: 80 of 1,613,774 alleles (0.005%); highest among the groups gnomAD compares: East Asian, 0.027%; no homozygotes.

Submission:

CeGaT Center for Human Genetics Tuebingen
Classification: Likely benign. Last evaluated: 2026-06-01. Review status: criteria provided, single submitter. Criteria: CeGaT Center For Human Genetics Tuebingen Variant Classification Criteria Version 2. Collection method: clinical testing. Allele origin: germline. Affected: yes. Observed: 2 variant alleles.
Comment: TET3: BP4, BP7